The following is an entry in ClinVar:

ClinVar aggregate classification (germline): Uncertain significance. Review status: criteria provided, multiple submitters, no conflicts (2 of 4 stars). 2 submissions from 2 submitters: Uncertain significance (2). Last evaluated 2025-01-23.

Conditions:
Inborn genetic diseases. Identifiers: MedGen C0950123, MeSH D030342.
Familial hemiplegic migraine. Identifiers: MedGen C0338484, MONDO:0000700.

Allele frequency attached by ClinVar (database versions not stated): gnomAD 0.00001; TOPMed 0.00001.
gnomAD v4.1: 4 of 1,614,008 alleles (0.00025%); highest among the groups gnomAD compares: African/African-American, 0.0013%; no homozygotes.

Submissions (2):

Labcorp Genetics (formerly Invitae), Labcorp
Classification: Uncertain significance for Familial hemiplegic migraine. Last evaluated: 2025-01-23. Review status: criteria provided, single submitter. Criteria: Invitae Variant Classification Sherloc (09022015). Collection method: clinical testing. Allele origin: germline.
Comment: This sequence change replaces arginine, which is basic and polar, with histidine, which is basic and polar, at codon 348 of the ATP1A2 protein (p.Arg348His). This variant is not present in population databases (gnomAD no frequency). This variant has not been reported in the literature in individuals affected with ATP1A2-related conditions. ClinVar contains an entry for this variant (Variation ID: 576743). Invitae Evidence Modeling of protein sequence and biophysical properties (such as structural, functional, and spatial information, amino acid conservation, physicochemical variation, residue mobility, and thermodynamic stability) indicates that this missense variant is not expected to disrupt ATP1A2 protein function with a negative predictive value of 80%. In summary, the available evidence is currently insufficient to determine the role of this variant in disease. Therefore, it has been classified as a Variant of Uncertain Significance.

Ambry Genetics
Classification: Uncertain significance for Inborn genetic diseases. Last evaluated: 2018-05-22. Review status: criteria provided, single submitter. Criteria: Ambry Variant Classification Scheme 2023. Collection method: clinical testing. Allele origin: germline.
Comment: The p.R348H variant (also known as c.1043G>A), located in coding exon 9 of the ATP1A2 gene, results from a G to A substitution at nucleotide position 1043. The arginine at codon 348 is replaced by histidine, an amino acid with highly similar properties. A different alteration located at the same position, p.R348P (c.1043G>C), was detected in fourteen individuals from one family. Twelve of these individuals carrying the p.R348P alteration had clinically diagnosed familial hemiplegic migraine (FHM), one had psychomotor retardation and possible FHM, and one did not have FHM features (Pelzer N et al. Cephalalgia, 2016 May). This amino acid position is highly conserved in available vertebrate species. In addition, this alteration is predicted to be deleterious by in silico analysis. Since supporting evidence is limited at this time, the clinical significance of the p.R348H alteration remains unclear.

Literature cited by the submitters: PubMed 27226003 (cited by Ambry Genetics).

NM_000702.4(ATP1A2):c.1043G>A (p.Arg348His)

Gene: ATP1A2 (ATPase Na+/K+ transporting subunit alpha 2; plus strand). Cytogenetic location: 1q23.2.
Variant type: single nucleotide variant.
Coding change: c.1043G>A on transcript NM_000702.4 (MANE Select); coding-DNA position 1043, G replaced by A.
Protein change: p.Arg348His; replaces arginine 348 with histidine.
Molecular consequence: missense variant.
Genome position (GRCh38, 1-based): chr1:160,128,677, G>A. VCF-style: chr1-160128677-G-A. GRCh37 (hg19) VCF-style: chr1-160098467-G-A.
Other names: short protein forms R348H.
Identifiers: ClinVar variation 576743 (VCV000576743.12), dbSNP rs912419331, ClinGen allele CA31494343.